The following is an entry in ClinVar:

NM_001130438.3(SPTAN1):c.2880G>A (p.Val960=)

Gene: SPTAN1 (spectrin alpha, non-erythrocytic 1; plus strand). Cytogenetic location: 9q34.11.
Variant type: single nucleotide variant.
Coding change: c.2880G>A on transcript NM_001130438.3 (MANE Select); coding-DNA position 2880, G replaced by A.
Protein change: p.Val960=; no amino-acid change (valine 960 retained).
Molecular consequence: synonymous variant.
Genome position (GRCh38, 1-based): chr9:128,588,817, G>A. VCF-style: chr9-128588817-G-A. GRCh37 (hg19) VCF-style: chr9-131351096-G-A.
Other names: p.V960V:GTG>GTA; p.Val960=; c.2880G>A, p.Val960= (NM_001195532.2, NM_001363759.2, NM_001363765.2 and 1 more transcripts).
Identifiers: ClinVar variation 139281 (VCV000139281.48), dbSNP rs150731568, ClinGen allele CA293724.

ClinVar aggregate classification (germline): Benign/Likely benign. Review status: criteria provided, multiple submitters, no conflicts (2 of 4 stars). 8 submissions from 8 submitters: Benign (4); Likely benign (4). Last evaluated 2026-04-01.

Conditions:
Early-infantile DEE. Also called: Early infantile epileptic encephalopathy; Early infantile epileptic encephalopathy with suppression bursts; Ohtahara syndrome. Identifiers: Orphanet 1934, MedGen C0393706, MONDO:0800491.
Inborn genetic diseases. Identifiers: MedGen C0950123, MeSH D030342.
Developmental and epileptic encephalopathy, 5 (DEE5). Identifiers: Orphanet 3451, MedGen C3150731, MONDO:0013277, OMIM 613477.

Allele frequency attached by ClinVar (database versions not stated): gnomAD exomes 0.00017 and 0.00033; ExAC 0.00040; ESP Exome Variant Server 0.00069; gnomAD 0.00094 and 0.00101; TOPMed 0.00121; 1000 Genomes Project 0.00140; 1000 Genomes Project 30x 0.00156.

Submissions (8):

CeGaT Center for Human Genetics Tuebingen
Classification: Likely benign. Last evaluated: 2026-04-01. Review status: criteria provided, single submitter. Criteria: CeGaT Center For Human Genetics Tuebingen Variant Classification Criteria Version 2. Collection method: clinical testing. Allele origin: germline. Affected: yes. Observed: 8 variant alleles.
Comment: SPTAN1: BP4, BP7, BS1

Labcorp Genetics (formerly Invitae), Labcorp
Classification: Benign for Early-infantile DEE. Last evaluated: 2026-01-21. Review status: criteria provided, single submitter. Criteria: Invitae Variant Classification Sherloc (09022015). Collection method: clinical testing. Allele origin: germline.

Mayo Clinic Laboratories, Mayo Clinic
Classification: Benign. Last evaluated: 2024-11-12. Review status: criteria provided, single submitter. Criteria: ACMG Guidelines, 2015. Collection method: clinical testing. Allele origin: germline. Observed: 2 variant alleles.
Comment: BS1, BS2, BP4, BP7

Blueprint Genetics
Classification: Likely benign. Last evaluated: 2024-11-11. Review status: criteria provided, single submitter. Criteria: ACMG Guidelines, 2015. Collection method: clinical testing. Allele origin: germline.

Genome-Nilou Lab
Classification: Benign for Developmental and epileptic encephalopathy, 5. Last evaluated: 2021-07-15. Review status: criteria provided, single submitter. Criteria: ACMG Guidelines, 2015. Collection method: clinical testing. Allele origin: germline. Affected: no.

Ambry Genetics
Classification: Likely benign for Inborn genetic diseases. Last evaluated: 2017-08-02. Review status: criteria provided, single submitter. Criteria: Ambry Variant Classification Scheme 2023. Collection method: clinical testing. Allele origin: germline.

GeneDx
Classification: Benign. Last evaluated: 2014-03-20. Review status: criteria provided, single submitter. Criteria: GeneDx Variant Classification (06012015). Collection method: clinical testing. Allele origin: germline. Affected: yes.
Comment: This variant is considered likely benign or benign based on one or more of the following criteria: it is a conservative change, it occurs at a poorly conserved position in the protein, it is predicted to be benign by multiple in silico algorithms, and/or has population frequency not consistent with disease.

Breakthrough Genomics
Classification: Likely benign. Review status: criteria provided, single submitter. Criteria: ACMG Guidelines, 2015. Collection method: not provided. Allele origin: germline. Inheritance: Autosomal dominant inheritance. Affected: yes.